The following is an entry in ClinVar:

ClinVar aggregate classification (germline): Uncertain significance. Review status: criteria provided, multiple submitters, no conflicts (2 of 4 stars). 2 submissions from 2 submitters: Uncertain significance (2). Last evaluated 2025-10-06.

Submissions (2):

Labcorp Genetics (formerly Invitae), Labcorp
Classification: Uncertain significance. Last evaluated: 2025-10-06. Review status: criteria provided, single submitter. Criteria: Invitae Variant Classification Sherloc (09022015). Collection method: clinical testing. Allele origin: germline.
Comment: This sequence change replaces proline, which is neutral and non-polar, with serine, which is neutral and polar, at codon 3833 of the LRP2 protein (p.Pro3833Ser). This variant is not present in population databases (gnomAD no frequency). This variant has not been reported in the literature in individuals affected with LRP2-related conditions. An algorithm developed to predict the effect of missense changes on protein structure and function (PolyPhen-2) suggests that this variant is likely to be disruptive. In summary, the available evidence is currently insufficient to determine the role of this variant in disease. Therefore, it has been classified as a Variant of Uncertain Significance.

Blueprint Genetics
Classification: Uncertain significance. Last evaluated: 2019-04-24. Review status: criteria provided, single submitter. Criteria: ACMG Guidelines, 2015. Collection method: clinical testing. Allele origin: germline.

NM_004525.3(LRP2):c.11497C>T (p.Pro3833Ser)

Gene: LRP2 (LDL receptor related protein 2; minus strand). Cytogenetic location: 2q31.1.
Variant type: single nucleotide variant.
Coding change: c.11497C>T on transcript NM_004525.3 (MANE Select); coding-DNA position 11497, C replaced by T.
Protein change: p.Pro3833Ser; replaces proline 3833 with serine.
Molecular consequence: missense variant.
Genome position (GRCh38, 1-based): chr2:169,169,702, G>A on the plus strand (C>T on the coding strand, the complement: LRP2 is on the minus strand). VCF-style: chr2-169169702-G-A. GRCh37 (hg19) VCF-style: chr2-170026212-G-A.
Other names: short protein forms P3833S.
Identifiers: ClinVar variation 4708784 (VCV004708784.2).